The following is an entry in ClinVar:

NM_018341.3(ERMARD):c.314A>G (p.Glu105Gly)

Gene: ERMARD (ER membrane associated RNA degradation; plus strand). Cytogenetic location: 6q27.
Variant type: single nucleotide variant.
Coding change: c.314A>G on transcript NM_018341.3 (MANE Select); coding-DNA position 314, A replaced by G.
Protein change: p.Glu105Gly; replaces glutamic acid 105 with glycine.
Molecular consequence: missense variant. On other transcripts: 5 prime UTR variant (1).
Genome position (GRCh38, 1-based): chr6:169,755,421, A>G. VCF-style: chr6-169755421-A-G. GRCh37 (hg19) VCF-style: chr6-170155517-A-G.
Other names: c.314A>G, p.Glu105Gly (NM_001278531.2, NM_001278533.2); c.-65A>G (NM_001278532.2, NM_001410957.1); c.314A>G (NM_018341.1); short protein forms E105G.
Identifiers: ClinVar variation 2166561 (VCV002166561.7), dbSNP rs542068627, ClinGen allele CA4105797.

ClinVar aggregate classification (germline): Uncertain significance. Review status: criteria provided, multiple submitters, no conflicts (2 of 4 stars). 3 submissions from 3 submitters: Uncertain significance (2). 1 of the submissions does not count toward it. Last evaluated 2025-06-29.

Conditions:
Periventricular nodular heterotopia 6 (PVNH6). Identifiers: Orphanet 2149, MedGen C3809872, MONDO:0014240, OMIM 615544.

Allele frequency attached by ClinVar (database versions not stated): ExAC 0.00002; gnomAD 0.00004; TOPMed 0.00006; gnomAD exomes 0.00010.
gnomAD v4.1: 147 of 1,614,042 alleles (0.0091%); highest among the groups gnomAD compares: Middle Eastern, 0.033%; no homozygotes.

Submissions (3):

Ambry Genetics
Classification: Uncertain significance. Last evaluated: 2025-06-29. Review status: criteria provided, single submitter. Criteria: Ambry Variant Classification Scheme 2023. Collection method: clinical testing. Allele origin: germline.

Labcorp Genetics (formerly Invitae), Labcorp
Classification: Uncertain significance. Last evaluated: 2024-04-10. Review status: criteria provided, single submitter. Criteria: Invitae Variant Classification Sherloc (09022015). Collection method: clinical testing. Allele origin: germline.
Comment: This sequence change replaces glutamic acid, which is acidic and polar, with glycine, which is neutral and non-polar, at codon 105 of the ERMARD protein (p.Glu105Gly). This variant is present in population databases (rs542068627, gnomAD 0.007%). This variant has not been reported in the literature in individuals affected with ERMARD-related conditions. ClinVar contains an entry for this variant (Variation ID: 2166561). An algorithm developed to predict the effect of missense changes on protein structure and function (PolyPhen-2) suggests that this variant is likely to be disruptive. Algorithms developed to predict the effect of sequence changes on RNA splicing suggest that this variant may disrupt the consensus splice site. In summary, the available evidence is currently insufficient to determine the role of this variant in disease. Therefore, it has been classified as a Variant of Uncertain Significance.

Clinical Genetics Laboratory, University Hospital Schleswig-Holstein
Classification: Likely pathogenic for Periventricular nodular heterotopia 6. Last evaluated: 2023-08-18. Review status: no assertion criteria provided. Collection method: clinical testing. Allele origin: germline. Affected: yes. Not counted in ClinVar's aggregate classification.